The following is an entry in ClinVar:

NM_001005361.3(DNM2):c.2543+1G>A

Gene: DNM2 (dynamin 2; plus strand). Cytogenetic location: 19p13.2.
Variant type: single nucleotide variant.
Coding change: c.2543+1G>A on transcript NM_001005361.3 (MANE Select); the canonical splice donor site of the intron after coding-DNA position 2543, G replaced by A.
Molecular consequence: splice donor variant.
Genome position (GRCh38, 1-based): chr19:10,830,379, G>A. VCF-style: chr19-10830379-G-A. GRCh37 (hg19) VCF-style: chr19-10941055-G-A.
Other names: c.2543+1G>A (NM_001005360.3, NM_001190716.2); c.2531+1G>A (NM_004945.4, NM_001005362.3).
Identifiers: ClinVar variation 1354547 (VCV001354547.7), dbSNP rs2146210623, ClinGen allele CA404044412.

ClinVar aggregate classification (germline): Uncertain significance. Review status: criteria provided, multiple submitters, no conflicts (2 of 4 stars). 2 submissions from 2 submitters: Uncertain significance (2). Last evaluated 2023-06-14.

Conditions:
Charcot-Marie-Tooth disease dominant intermediate B (CMTDIB). Also called: Charcot-Marie-Tooth disease dominant intermediate 1; CMT DI1; Charcot-Marie-Tooth disease dominant intermediate I; CHARCOT-MARIE-TOOTH NEUROPATHY, DOMINANT INTERMEDIATE B. Identifiers: Orphanet 100044, Orphanet 228179, MedGen C1847902, MONDO:0011674, OMIM 606482.

Submissions (2):

Blueprint Genetics
Classification: Uncertain significance. Last evaluated: 2023-06-14. Review status: criteria provided, single submitter. Criteria: ACMG Guidelines, 2015. Collection method: clinical testing. Allele origin: germline.

Labcorp Genetics (formerly Invitae), Labcorp
Classification: Uncertain significance for Charcot-Marie-Tooth disease dominant intermediate B. Last evaluated: 2021-12-01. Review status: criteria provided, single submitter. Criteria: Invitae Variant Classification Sherloc (09022015). Collection method: clinical testing. Allele origin: germline.
Comment: Variants that disrupt the consensus splice site are a relatively common cause of aberrant splicing (PMID: 17576681, 9536098). Algorithms developed to predict the effect of sequence changes on RNA splicing suggest that this variant may disrupt the consensus splice site. This variant has not been reported in the literature in individuals affected with DNM2-related conditions. This variant is not present in population databases (gnomAD no frequency). This sequence change falls in intron 20 of the DNM2 gene. It does not directly change the encoded amino acid sequence of the DNM2 protein. It affects a nucleotide within the consensus splice site. In summary, the available evidence is currently insufficient to determine the role of this variant in disease. Therefore, it has been classified as a Variant of Uncertain Significance.

Literature cited by the submitters: PubMed 17576681 (cited by Labcorp Genetics (formerly Invitae), Labcorp); PubMed 9536098 (cited by Labcorp Genetics (formerly Invitae), Labcorp).